The following is an entry in ClinVar:

NM_019032.6(ADAMTSL4):c.2189G>A (p.Gly730Asp)

Gene: ADAMTSL4 (ADAMTS like 4; plus strand). Cytogenetic location: 1q21.2.
Variant type: single nucleotide variant.
Coding change: c.2189G>A on transcript NM_019032.6 (MANE Select); coding-DNA position 2189, G replaced by A.
Protein change: p.Gly730Asp; replaces glycine 730 with aspartic acid.
Molecular consequence: missense variant.
Genome position (GRCh38, 1-based): chr1:150,557,956, G>A. VCF-style: chr1-150557956-G-A. GRCh37 (hg19) VCF-style: chr1-150530432-G-A.
Other names: c.2072G>A, p.Gly691Asp (NM_001288607.2); c.2258G>A, p.Gly753Asp (NM_001288608.2); c.2189G>A, p.Gly730Asp (NM_001378596.1, NM_025008.5); short protein forms G691D, G753D, G730D.
Identifiers: ClinVar variation 1967595 (VCV001967595.2), dbSNP rs2526751334, ClinGen allele CA342314615.

ClinVar aggregate classification (germline): Uncertain significance (1 of 4 stars; one submission).

gnomAD v4.1: 1 of 1,607,346 alleles (0.000062%); no homozygotes.

Submission:

Labcorp Genetics (formerly Invitae), Labcorp
Classification: Uncertain significance. Last evaluated: 2022-05-12. Review status: criteria provided, single submitter. Criteria: Invitae Variant Classification Sherloc (09022015). Collection method: clinical testing. Allele origin: germline.
Comment: This sequence change replaces glycine, which is neutral and non-polar, with aspartic acid, which is acidic and polar, at codon 730 of the ADAMTSL4 protein (p.Gly730Asp). This variant is not present in population databases (gnomAD no frequency). This variant has not been reported in the literature in individuals affected with ADAMTSL4-related conditions. Algorithms developed to predict the effect of missense changes on protein structure and function (SIFT, PolyPhen-2, Align-GVGD) all suggest that this variant is likely to be disruptive. In summary, the available evidence is currently insufficient to determine the role of this variant in disease. Therefore, it has been classified as a Variant of Uncertain Significance.